The following is an entry in ClinVar:

NM_145868.2(ANXA11):c.50C>T (p.Ala17Val)

Gene: ANXA11 (annexin A11; minus strand). Cytogenetic location: 10q22.3.
Variant type: single nucleotide variant.
Coding change: c.50C>T on transcript NM_145868.2 (MANE Select); coding-DNA position 50, C replaced by T.
Protein change: p.Ala17Val; replaces alanine 17 with valine.
Molecular consequence: missense variant. On other transcripts: 5 prime UTR variant (1).
Genome position (GRCh38, 1-based): chr10:80,172,812, G>A on the plus strand (C>T on the coding strand, the complement: ANXA11 is on the minus strand). VCF-style: chr10-80172812-G-A. GRCh37 (hg19) VCF-style: chr10-81932568-G-A.
Other names: c.50C>T, p.Ala17Val (NM_001157.3, NM_001278407.2, NM_001278408.2 and 1 more transcripts); c.-319C>T (NM_001278409.2); short protein forms A17V.
Identifiers: ClinVar variation 4774077 (VCV004774077.1).

ClinVar aggregate classification (germline): Uncertain significance (1 of 4 stars; one submission).

Submission:

Labcorp Genetics (formerly Invitae), Labcorp
Classification: Uncertain significance. Last evaluated: 2025-09-07. Review status: criteria provided, single submitter. Criteria: Invitae Variant Classification Sherloc (09022015). Collection method: clinical testing. Allele origin: germline.
Comment: This sequence change replaces alanine, which is neutral and non-polar, with valine, which is neutral and non-polar, at codon 17 of the ANXA11 protein (p.Ala17Val). This variant is not present in population databases (gnomAD no frequency). This variant has not been reported in the literature in individuals affected with ANXA11-related conditions. An algorithm developed to predict the effect of missense changes on protein structure and function outputs the following: PolyPhen-2: "Not Available". The valine amino acid residue is found in multiple mammalian species, which suggests that this missense change does not adversely affect protein function. In summary, the available evidence is currently insufficient to determine the role of this variant in disease. Therefore, it has been classified as a Variant of Uncertain Significance.